The following is an entry in ClinVar:

ClinVar aggregate classification (germline): Uncertain significance (1 of 4 stars; one submission).

Submission:

GeneDx
Classification: Uncertain significance. Last evaluated: 2021-06-20. Review status: criteria provided, single submitter. Criteria: GeneDx Variant Classification Process June 2021. Collection method: clinical testing. Allele origin: germline. Affected: yes.
Comment: Not observed at significant frequency in large population cohorts (Lek et al., 2016); Missense variants in this gene are often considered pathogenic (Stenson et al., 2014); In silico analysis supports that this missense variant has a deleterious effect on protein structure/function; Has not been previously published as pathogenic or benign to our knowledge; This variant is associated with the following publications: (PMID: 27535533)

NM_006306.4(SMC1A):c.1666T>C (p.Cys556Arg)

Gene: SMC1A (structural maintenance of chromosomes 1A; minus strand). Cytogenetic location: Xp11.22.
Variant type: single nucleotide variant.
Coding change: c.1666T>C on transcript NM_006306.4 (MANE Select); coding-DNA position 1666, T replaced by C.
Protein change: p.Cys556Arg; replaces cysteine 556 with arginine.
Molecular consequence: missense variant.
Genome position (GRCh38, 1-based): chrX:53,405,836, A>G on the plus strand (T>C on the coding strand, the complement: SMC1A is on the minus strand). VCF-style: chrX-53405836-A-G. GRCh37 (hg19) VCF-style: chrX-53432768-A-G.
Other names: c.1600T>C, p.Cys534Arg (NM_001281463.1); short protein forms C534R, C556R.
Identifiers: ClinVar variation 1329843 (VCV001329843.2), dbSNP rs2146600036, ClinGen allele CA413253615.